The following is an entry in ClinVar:

ClinVar aggregate classification (germline): Uncertain significance (1 of 4 stars; one submission).

Conditions:
Short-rib thoracic dysplasia 8 with or without polydactyly (SRTD8). Also called: SHORT-RIB THORACIC DYSPLASIA 8 WITH POLYDACTYLY. Identifiers: Orphanet 93271, MedGen C3809691, MONDO:0014214, OMIM 615503.

Allele frequency attached by ClinVar (database versions not stated): gnomAD exomes 0.00001; TOPMed 0.00001; ExAC 0.00004.
gnomAD v4.1: 11 of 1,604,642 alleles (0.00069%); highest among the groups gnomAD compares: Admixed American, 0.014%; no homozygotes.

Submission:

Labcorp Genetics (formerly Invitae), Labcorp
Classification: Uncertain significance for Short-rib thoracic dysplasia 8 with or without polydactyly. Last evaluated: 2022-07-06. Review status: criteria provided, single submitter. Criteria: Invitae Variant Classification Sherloc (09022015). Collection method: clinical testing. Allele origin: germline.
Comment: In summary, the available evidence is currently insufficient to determine the role of this variant in disease. Therefore, it has been classified as a Variant of Uncertain Significance. Algorithms developed to predict the effect of sequence changes on RNA splicing suggest that this variant may create or strengthen a splice site. Algorithms developed to predict the effect of missense changes on protein structure and function output the following: SIFT: "Tolerated"; PolyPhen-2: "Benign"; Align-GVGD: "Class C0". The valine amino acid residue is found in multiple mammalian species, which suggests that this missense change does not adversely affect protein function. This variant has not been reported in the literature in individuals affected with WDR60-related conditions. This variant is present in population databases (rs758378002, gnomAD 0.03%). This sequence change replaces isoleucine, which is neutral and non-polar, with valine, which is neutral and non-polar, at codon 885 of the WDR60 protein (p.Ile885Val).

NM_018051.5(DYNC2I1):c.2653A>G (p.Ile885Val)

Gene: DYNC2I1 (dynein 2 intermediate chain 1; plus strand). Cytogenetic location: 7q36.3.
Variant type: single nucleotide variant.
Coding change: c.2653A>G on transcript NM_018051.5 (MANE Select); coding-DNA position 2653, A replaced by G.
Protein change: p.Ile885Val; replaces isoleucine 885 with valine.
Molecular consequence: missense variant.
Genome position (GRCh38, 1-based): chr7:158,934,424, A>G. VCF-style: chr7-158934424-A-G. GRCh37 (hg19) VCF-style: chr7-158727115-A-G.
Other names: c.2515A>G, p.Ile839Val (NM_001350914.2); c.2080A>G, p.Ile694Val (NM_001350915.2); c.1192A>G, p.Ile398Val (NM_001350916.2); c.1405A>G, p.Ile469Val (NM_001350917.2, NM_001350918.2); short protein forms I469V, I694V, I839V, I398V, I885V.
Identifiers: ClinVar variation 1978361 (VCV001978361.2), dbSNP rs758378002, ClinGen allele CA4595067.
Genomic context (GRCh38, chr7:158,934,424, plus strand): 5'-CCAATCTCGTGTGTAATGCACTCGTTCAGTCACTCTTGGGCTTCTTCTTCACAGGGTCTC[A>G]TAAGCCATGGCACAAGACAAGATTTGAGAGTGGCTCCCAAACTATTCAAACCTCAGCAAC-3'
Protein context (NP_060521.4, residues 875-895): HFIIGTDMGL[Ile885Val]SHGTRQDLRV